The following is an entry in ClinVar:

ClinVar aggregate classification (germline): Uncertain significance (1 of 4 stars; one submission).

Conditions:
CFI-related disorder. Also called: CFI-related condition; CFI-related disorders. Identifiers: MedGen CN239325.

Submission:

Genomenon, Inc
Classification: Uncertain significance for CFI-related disorder. Last evaluated: 2026-09-17. Review status: criteria provided, single submitter. Criteria: Genomenon Sequence Variant Interpretation Standards - Updated. Collection method: curation. Allele origin: germline. Affected: no.
Comment: CFI p.Asp283Ala (c.848A>C) is a missense variant that changes the amino acid at codon 283 from Aspartic acid to Alanine. This variant has been reported in the published literature (PMID:37363824). It is absent or not present at a significant frequency in gnomAD. In silico models predict that this variant is possibly or probably damaging. In conclusion, we classify CFI p.Asp283Ala (c.848A>C) as a variant of uncertain significance.

Literature cited by the submitters: PubMed 37363824.

NM_000204.5(CFI):c.848A>C (p.Asp283Ala)

Gene: CFI (complement factor I; minus strand). Cytogenetic location: 4q25.
Variant type: single nucleotide variant.
Coding change: c.848A>C on transcript NM_000204.5 (MANE Select); coding-DNA position 848, A replaced by C.
Protein change: p.Asp283Ala; replaces aspartic acid 283 with alanine.
Molecular consequence: missense variant. On other transcripts: non-coding transcript variant (3).
Genome position (GRCh38, 1-based): chr4:109,760,305, T>G on the plus strand (A>C on the coding strand, the complement: CFI is on the minus strand). VCF-style: chr4-109760305-T-G. GRCh37 (hg19) VCF-style: chr4-110681461-T-G.
Other names: c.848A>C, p.Asp283Ala (NM_001318057.2, NM_001331035.2, NM_001375278.1 and 10 more transcripts); c.239A>C, p.Asp80Ala (NM_001375284.1); short protein forms D283A, D80A.
Identifiers: ClinVar variation 4976861 (VCV004976861.1).